The following is an entry in ClinVar:

NM_001244008.2(KIF1A):c.423C>T (p.Ser141=)

Gene: KIF1A (kinesin family member 1A; minus strand). Cytogenetic location: 2q37.3.
Variant type: single nucleotide variant.
Coding change: c.423C>T on transcript NM_001244008.2 (MANE Select); coding-DNA position 423, C replaced by T.
Protein change: p.Ser141=; no amino-acid change (serine 141 retained).
Molecular consequence: synonymous variant.
Genome position (GRCh38, 1-based): chr2:240,787,257, G>A on the plus strand (C>T on the coding strand, the complement: KIF1A is on the minus strand). VCF-style: chr2-240787257-G-A. GRCh37 (hg19) VCF-style: chr2-241726674-G-A.
Other names: c.423C>T, p.Ser141= (NM_001320705.2, NM_001330289.2, NM_001330290.2 and 20 more transcripts).
Identifiers: ClinVar variation 335281 (VCV000335281.45), dbSNP rs565992344, ClinGen allele CA2208790.
Genomic context (GRCh38, chr2:240,787,257, plus strand): 5'-CACACCAGATTCCCAGCCCTGCCCCAGCGGCCAACGGCAGGCGGGGAGCCCTACCTCCAC[G>A]GAGTAGGACATGTTGTCGTTGGTCGTGTCGTTGATCCGAGAGAAGAGGTCCTCGCAGAGC-3'
Protein context (NP_001230937.1, residues 131-151): NDTTNDNMSY[Ser141=]VEVSYMEIYC

ClinVar aggregate classification (germline): Conflicting classifications of pathogenicity. Review status: criteria provided, conflicting classifications (1 of 4 stars). 6 submissions from 6 submitters: Uncertain significance (1); Benign (2); Likely benign (3). Last evaluated 2025-10-03.

Conditions:
Hereditary spastic paraplegia 30. Identifiers: Orphanet 101010, MedGen C5235139, MONDO:0012476.
Inborn genetic diseases. Identifiers: MedGen C0950123, MeSH D030342.
Neuropathy, hereditary sensory, type 2C. Also called: KIF1A-Related HSAN2 (HSAN2C); Hereditary sensory and autonomic neuropathy type IIC. Identifiers: Orphanet 970, MedGen C3280168, MONDO:0013634, OMIM 614213.
Intellectual disability, autosomal dominant 9 (NESCAVS). Also called: NESCAV SYNDROME; KIF1A-Related Neurodevelopmental Disorder. Identifiers: Orphanet 662367, MedGen C5393830, MONDO:0013656, OMIM 614255.

Allele frequency attached by ClinVar (database versions not stated): gnomAD 0.00002 and 0.00013; TOPMed 0.00006; gnomAD exomes 0.00026 and 0.00037; ExAC 0.00048; 1000 Genomes Project 30x 0.00078; 1000 Genomes Project 0.00100.
gnomAD v4.1: 404 of 1,612,916 alleles (0.025%); highest among the groups gnomAD compares: South Asian, 0.32%; 4 homozygotes.

Submissions (6):

Labcorp Genetics (formerly Invitae), Labcorp
Classification: Benign for Hereditary spastic paraplegia 30; Neuropathy, hereditary sensory, type 2C; Intellectual disability, autosomal dominant 9. Last evaluated: 2025-10-03. Review status: criteria provided, single submitter. Criteria: Invitae Variant Classification Sherloc (09022015). Collection method: clinical testing. Allele origin: germline.

Blueprint Genetics
Classification: Likely benign. Last evaluated: 2024-10-17. Review status: criteria provided, single submitter. Criteria: ACMG Guidelines, 2015. Collection method: clinical testing. Allele origin: germline.

CeGaT Center for Human Genetics Tuebingen
Classification: Likely benign. Last evaluated: 2023-03-01. Review status: criteria provided, single submitter. Criteria: CeGaT Center For Human Genetics Tuebingen Variant Classification Criteria Version 2. Collection method: clinical testing. Allele origin: germline. Affected: yes. Observed: 1 variant allele.
Comment: KIF1A: BP4, BP7

GeneDx
Classification: Likely benign. Last evaluated: 2021-10-18. Review status: criteria provided, single submitter. Criteria: GeneDx Variant Classification Process June 2021. Collection method: clinical testing. Allele origin: germline. Affected: yes.

Illumina Laboratory Services, Illumina
Classification: Uncertain significance for Spastic paraplegia 30A, autosomal dominant. Last evaluated: 2018-01-12. Review status: criteria provided, single submitter. Criteria: ICSL Variant Classification Criteria 13 December 2019. Collection method: clinical testing. Allele origin: germline.

Ambry Genetics
Classification: Benign for Inborn genetic diseases. Last evaluated: 2017-08-11. Review status: criteria provided, single submitter. Criteria: Ambry Variant Classification Scheme 2023. Collection method: clinical testing. Allele origin: germline.